The following is an entry in ClinVar:

ClinVar aggregate classification (germline): Uncertain significance. Review status: criteria provided, single submitter (1 of 4 stars). 2 submissions from 2 submitters: Uncertain significance (1). 1 of the submissions does not count toward it.

Conditions:
Bardet-Biedl syndrome 12 (BBS12). Identifiers: Orphanet 110, MedGen C1859570, MONDO:0014440, OMIM 615989.
BBS12-related disorder. Also called: BBS12-related condition.

Submissions (2):

DNA-diagnostics Laboratory, Research Centre For Medical Genetics
Classification: Uncertain significance for Bardet-Biedl syndrome 12. Review status: criteria provided, single submitter. Criteria: ACMG Guidelines, 2015. Collection method: clinical testing. Allele origin: germline. Affected: yes.

PreventionGenetics, part of Exact Sciences
Classification: Uncertain significance for BBS12-related condition. Last evaluated: 2023-12-27. Review status: no assertion criteria provided. Collection method: clinical testing. Allele origin: germline. Not counted in ClinVar's aggregate classification.
Comment: The BBS12 c.1792T>G variant is predicted to result in the amino acid substitution p.Tyr598Asp. To our knowledge, this variant has not been reported in the literature or in a large population database, indicating this variant is rare. At this time, the clinical significance of this variant is uncertain due to the absence of conclusive functional and genetic evidence.

NM_152618.3(BBS12):c.1792T>G (p.Tyr598Asp)

Gene: BBS12 (Bardet-Biedl syndrome 12; plus strand). Cytogenetic location: 4q27.
Variant type: single nucleotide variant.
Coding change: c.1792T>G on transcript NM_152618.3 (MANE Select); coding-DNA position 1792, T replaced by G.
Protein change: p.Tyr598Asp; replaces tyrosine 598 with aspartic acid.
Molecular consequence: missense variant.
Genome position (GRCh38, 1-based): chr4:122,743,684, T>G. VCF-style: chr4-122743684-T-G. GRCh37 (hg19) VCF-style: chr4-123664839-T-G.
Other names: c.1792T>G, p.Tyr598Asp (NM_001178007.2); short protein forms Y598D.
Identifiers: ClinVar variation 3242548 (VCV003242548.2), dbSNP rs2485078050.